The following is an entry in ClinVar:

NM_031308.4(EPPK1):c.7029C>T (p.Ile2343=)

Gene: EPPK1 (epiplakin 1; minus strand). Cytogenetic location: 8q24.3.
Variant type: single nucleotide variant.
Coding change: c.7029C>T on transcript NM_031308.4 (MANE Select); coding-DNA position 7029, C replaced by T.
Protein change: p.Ile2343=; no amino-acid change (isoleucine 2343 retained).
Molecular consequence: synonymous variant.
Genome position (GRCh38, 1-based): chr8:143,866,225, G>A on the plus strand (C>T on the coding strand, the complement: EPPK1 is on the minus strand). VCF-style: chr8-143866225-G-A.
Identifiers: ClinVar variation 3053783 (VCV003053783.1), dbSNP rs1428832900, ClinGen allele CA848824146.

ClinVar aggregate classification (germline): Likely benign (1 of 4 stars; one submission).

Conditions:
EPPK1-related disorder. Also called: EPPK1-related condition.

Allele frequency attached by ClinVar (database versions not stated): gnomAD exomes 0.00012; 1000 Genomes Project 30x 0.00031.

Submission:

PreventionGenetics, part of Exact Sciences
Classification: Likely benign for EPPK1-related condition. Last evaluated: 2022-04-21. Review status: criteria provided, single submitter. Criteria: ACMG Guidelines, 2015. Collection method: clinical testing. Allele origin: germline.
Comment: This variant is classified as likely benign based on ACMG/AMP sequence variant interpretation guidelines (Richards et al. 2015 PMID: 25741868, with internal and published modifications).